The following is an entry in ClinVar:

NM_001197104.2(KMT2A):c.9615C>A (p.Ser3205Arg)

Gene: KMT2A (lysine methyltransferase 2A; plus strand). Cytogenetic location: 11q23.3.
Variant type: single nucleotide variant.
Coding change: c.9615C>A on transcript NM_001197104.2 (MANE Select); coding-DNA position 9615, C replaced by A.
Protein change: p.Ser3205Arg; replaces serine 3205 with arginine.
Molecular consequence: missense variant.
Genome position (GRCh38, 1-based): chr11:118,505,507, C>A. VCF-style: chr11-118505507-C-A. GRCh37 (hg19) VCF-style: chr11-118376222-C-A.
Other names: c.9705C>A, p.Ser3235Arg (NM_001412597.1); c.9606C>A, p.Ser3202Arg (NM_005933.4); short protein forms S3205R, S3202R, S3235R.
Identifiers: ClinVar variation 2801343 (VCV002801343.3), dbSNP rs2134406675, ClinGen allele CA382821143.
Genomic context (GRCh38, chr11:118,505,507, plus strand): 5'-AGGCCTGCTTATTGGGGTTCAGCCTCCTCCGGATCCCCAACTTTTGGTTTCAGAATCCAG[C>A]CAGAGGACAGACCTCAGTACCACAGTAGCCACTCCATCCTCTGGACTCAAGAAAAGACCC-3'
Protein context (NP_001184033.1, residues 3195-3215): PDPQLLVSES[Ser3205Arg]QRTDLSTTVA

ClinVar aggregate classification (germline): Uncertain significance (1 of 4 stars; one submission).

Submission:

Labcorp Genetics (formerly Invitae), Labcorp
Classification: Uncertain significance. Last evaluated: 2022-12-22. Review status: criteria provided, single submitter. Criteria: Invitae Variant Classification Sherloc (09022015). Collection method: clinical testing. Allele origin: germline.
Comment: In summary, the available evidence is currently insufficient to determine the role of this variant in disease. Therefore, it has been classified as a Variant of Uncertain Significance. Advanced modeling of protein sequence and biophysical properties (such as structural, functional, and spatial information, amino acid conservation, physicochemical variation, residue mobility, and thermodynamic stability) performed at Invitae indicates that this missense variant is not expected to disrupt KMT2A protein function. This variant has not been reported in the literature in individuals affected with KMT2A-related conditions. This variant is not present in population databases (gnomAD no frequency). This sequence change replaces serine, which is neutral and polar, with arginine, which is basic and polar, at codon 3205 of the KMT2A protein (p.Ser3205Arg).